The following is an entry in ClinVar:

ClinVar aggregate classification (germline): Uncertain significance (1 of 4 stars; one submission).

Submission:

Women's Health and Genetics/Laboratory Corporation of America, LabCorp
Classification: Uncertain significance. Last evaluated: 2025-12-29. Review status: criteria provided, single submitter. Criteria: LabCorp Variant Classification Summary - May 2015. Collection method: clinical testing. Allele origin: germline.
Comment: Variant summary: ZNF469 c.754C>G (p.Pro252Ala) results in a non-conservative amino acid change in the encoded protein sequence. Algorithms developed to predict the effect of missense changes on protein structure and function are either unavailable or do not agree on the potential impact of this missense change. The variant was absent in 151038 control chromosomes. The available data on variant occurrences in the general population are insufficient to allow any conclusion about variant significance. To our knowledge, no occurrence of c.754C>G in individuals affected with ZNF469-related conditions and no experimental evidence demonstrating its impact on protein function have been reported. No submitters have cited clinical-significance assessments for this variant to ClinVar. Based on the evidence outlined above, the variant was classified as uncertain significance.

NM_001367624.2(ZNF469):c.754C>G (p.Pro252Ala)

Gene: ZNF469 (zinc finger protein 469; plus strand). Cytogenetic location: 16q24.2.
Variant type: single nucleotide variant.
Coding change: c.754C>G on transcript NM_001367624.2 (MANE Select); coding-DNA position 754, C replaced by G.
Protein change: p.Pro252Ala; replaces proline 252 with alanine.
Molecular consequence: missense variant.
Genome position (GRCh38, 1-based): chr16:88,428,224, C>G. VCF-style: chr16-88428224-C-G. GRCh37 (hg19) VCF-style: chr16-88494632-C-G.
Other names: short protein forms P252A.
Identifiers: ClinVar variation 4688722 (VCV004688722.1).